The following is an entry in ClinVar:

NM_177438.3(DICER1):c.3647C>A (p.Ser1216Ter)

Gene: DICER1 (dicer 1, ribonuclease III; minus strand). Cytogenetic location: 14q32.13.
Variant type: single nucleotide variant.
Coding change: c.3647C>A on transcript NM_177438.3 (MANE Select); coding-DNA position 3647, C replaced by A.
Protein change: p.Ser1216Ter; replaces serine 1216 with a stop codon.
Molecular consequence: nonsense.
Genome position (GRCh38, 1-based): chr14:95,103,749, G>T on the plus strand (C>A on the coding strand, the complement: DICER1 is on the minus strand). VCF-style: chr14-95103749-G-T. GRCh37 (hg19) VCF-style: chr14-95570086-G-T.
Other names: c.3647C>A, p.Ser1216Ter (NM_030621.4, NM_001195573.1, NM_001271282.3 and 1 more transcripts); short protein forms S1216*.
Identifiers: ClinVar variation 933020 (VCV000933020.5), dbSNP rs1891128178, ClinGen allele CA390874548.

ClinVar aggregate classification (germline): Pathogenic. Review status: criteria provided, multiple submitters, no conflicts (2 of 4 stars). 2 submissions from 2 submitters: Pathogenic (2). Last evaluated 2025-01-24.

Conditions:
DICER1-related tumor predisposition. Also called: DICER1-related pleuropulmonary blastoma cancer predisposition syndrome; DICER1 syndrome. Identifiers: Orphanet 284343, MedGen C3839822, MONDO:0100216.

Submissions (2):

Department of Clinical Genetics, Copenhagen University Hospital, Rigshospitalet
Classification: Pathogenic for DICER1-related tumor predisposition. Last evaluated: 2025-01-24. Review status: criteria provided, single submitter. Criteria: ACMG Guidelines, 2015. Collection method: clinical testing. Allele origin: germline.
Comment: The following ACMG criteria have been used in classification: PM2_SUP; PVS1; PS4_SUP

Foulkes Cancer Genetics LDI, Lady Davis Institute for Medical Research
Classification: Pathogenic for Pleuropulmonary blastoma. Last evaluated: 2019-07-01. Review status: criteria provided, single submitter. Criteria: ACMG Guidelines, 2015. Collection method: curation. Allele origin: germline. Affected: yes and no. Observed: 4 variant alleles.
Comment: ACMG criteria met: PSV1, PM2, PM7, PP1, PP4

Literature cited by the submitters: PubMed 24708902 (cited by Department of Clinical Genetics, Copenhagen University Hospital, Rigshospitalet and Foulkes Cancer Genetics LDI, Lady Davis Institute for Medical Research).